The following is an entry in ClinVar:

ClinVar aggregate classification (germline): Uncertain significance (1 of 4 stars; one submission).

Conditions:
Intellectual disability, autosomal recessive 53 (NEDHSCA). Also called: NEURODEVELOPMENTAL DISORDER WITH OR WITHOUT HYPOTONIA, SEIZURES, AND CEREBELLAR ATROPHY; GLYCOSYLPHOSPHATIDYLINOSITOL BIOSYNTHESIS DEFECT 13; Mental retardation, autosomal recessive 53. Identifiers: Orphanet 488635, MedGen C4310794, MONDO:0014832, OMIM 616917.

Submission:

Labcorp Genetics (formerly Invitae), Labcorp
Classification: Uncertain significance for Mental retardation, autosomal recessive 53. Last evaluated: 2018-03-22. Review status: criteria provided, single submitter. Criteria: Invitae Variant Classification Sherloc (09022015). Collection method: clinical testing. Allele origin: germline.
Comment: This variant is a gross duplication of the genomic region encompassing exons 1-5 of the PIGG gene. The 5' end of this event is unknown as it extends beyond the assayed region for this gene and therefore may encompass additional genes. The 3' boundary is likely confined to intron 5 of the PIGG gene. The exact location of this variant in the genome is unknown. This variant has not been reported in the literature in individuals with PIGG-related disease. In summary, the available evidence is currently insufficient to determine the role of this variant in disease. Therefore, it has been classified as a Variant of Uncertain Significance.

NC_000004.11:g.(?_493105)_(502779_?)dup

Genes: PIGG (phosphatidylinositol glycan anchor biosynthesis class G (EMM blood group); plus strand), ZNF721 (zinc finger protein 721; minus strand). Cytogenetic location: 4p16.3.
Variant type: Duplication.
Identifiers: ClinVar variation 584318 (VCV000584318.1).